The following is an entry in ClinVar:

NM_153460.4(IL17RC):c.1010C>T (p.Pro337Leu)

Gene: IL17RC (interleukin 17 receptor C; plus strand). Cytogenetic location: 3p25.3.
Variant type: single nucleotide variant.
Coding change: c.1010C>T on transcript NM_153460.4 (MANE Select); coding-DNA position 1010, C replaced by T.
Protein change: p.Pro337Leu; replaces proline 337 with leucine.
Molecular consequence: missense variant. On other transcripts: non-coding transcript variant (1).
Genome position (GRCh38, 1-based): chr3:9,928,437, C>T. VCF-style: chr3-9928437-C-T. GRCh37 (hg19) VCF-style: chr3-9970121-C-T.
Other names: p.Pro408Leu; c.1010C>T, p.Pro337Leu (NM_001203263.2, NM_001203264.2); c.965C>T, p.Pro322Leu (NM_001203265.2, NM_001367280.1, NM_032732.6); c.971C>T, p.Pro324Leu (NM_001367278.1); c.890C>T, p.Pro297Leu (NM_001367279.1); c.1223C>T, p.Pro408Leu (NM_153461.4); short protein forms P408L, P337L, P322L, P324L, P297L.
Identifiers: ClinVar variation 475919 (VCV000475919.12), dbSNP rs115419420, ClinGen allele CA2247103.

ClinVar aggregate classification (germline): Benign. Review status: criteria provided, multiple submitters, no conflicts (2 of 4 stars). 3 submissions from 3 submitters: Benign (3). Last evaluated 2026-02-02.

Conditions:
Candidiasis, familial, 9 (CANDF9). Identifiers: Orphanet 1334, MedGen C4225324, MONDO:0014642, OMIM 616445.

Allele frequency attached by ClinVar (database versions not stated): 1000 Genomes Project 30x 0.01437; 1000 Genomes Project 0.01538; gnomAD exomes 0.02560; ExAC 0.02601; TOPMed 0.02923; gnomAD 0.02950 and 0.03060; ESP Exome Variant Server 0.03437.
gnomAD v4.1: 56,027 of 1,607,348 alleles (3.5%); highest among the groups gnomAD compares: Non-Finnish European, 4.1%; 1,110 homozygotes.

Submissions (3):

Labcorp Genetics (formerly Invitae), Labcorp
Classification: Benign for Candidiasis, familial, 9. Last evaluated: 2026-02-02. Review status: criteria provided, single submitter. Criteria: Invitae Variant Classification Sherloc (09022015). Collection method: clinical testing. Allele origin: germline.

Mayo Clinic Laboratories, Mayo Clinic
Classification: Benign. Last evaluated: 2024-04-30. Review status: criteria provided, single submitter. Criteria: ACMG Guidelines, 2015. Collection method: clinical testing. Allele origin: germline. Observed: 7 variant alleles.
Comment: BS1, BS2, BP4

Breakthrough Genomics
Classification: Benign. Review status: criteria provided, single submitter. Criteria: ACMG Guidelines, 2015. Collection method: not provided. Allele origin: germline. Inheritance: Autosomal recessive inheritance. Affected: yes.